The following is an entry in ClinVar:

ClinVar aggregate classification (germline): Likely pathogenic (1 of 4 stars; one submission).

Conditions:
Hereditary angioedema type 1 (HAE1). Identifiers: Orphanet 100050, Orphanet 100051, Orphanet 91378, MedGen C2717906, MONDO:0015053, OMIM 106100.

Submission:

DNA-diagnostics Laboratory, Research Centre For Medical Genetics
Classification: Likely pathogenic for Hereditary angioedema type 1. Last evaluated: 2024-06-01. Review status: criteria provided, single submitter. Criteria: ACMG Guidelines, 2015. Collection method: research. Allele origin: germline. Inheritance: Autosomal dominant inheritance. Affected: yes. Observed: 2 variant alleles, 2 heterozygotes.
Comment: The pathogenic or likely pathogenic SERPING1 gene variants are detected in >90% of the HAE1/2 families and in >80% of the total HAE families (e.g., DOI: 10.1016/j.molimm.2008.05.007, 10.1159/2F000138883, 10.1016/j.molimm.2011.07.010). Such in silico algorithms as BayesDel, MutPred, REVEL support a deleterious effect of this variant with Supporting evidence of pathogenicity, when choosing at least two identical assessments and using the threshold ranges from ClinGen recommendations (DOI: 10.1016/j.ajhg.2022.10.013). In summary, the c.1109T>A variant in SERPING1 meets ACMG/ClinGen SVI guidance criteria to be classified as likely pathogenic: PP4_Str, PS4_Sup, PM2_Sup, PP1, PP2, PP3

NM_000062.3(SERPING1):c.1109T>A (p.Met370Lys)

Gene: SERPING1 (serpin family G member 1; plus strand). Cytogenetic location: 11q12.1.
Variant type: single nucleotide variant.
Coding change: c.1109T>A on transcript NM_000062.3 (MANE Select); coding-DNA position 1109, T replaced by A.
Protein change: p.Met370Lys; replaces methionine 370 with lysine.
Molecular consequence: missense variant.
Genome position (GRCh38, 1-based): chr11:57,611,796, T>A. VCF-style: chr11-57611796-T-A. GRCh37 (hg19) VCF-style: chr11-57379269-T-A.
Other names: c.1109T>A, p.Met370Lys (NM_001032295.2); short protein forms M370K.
Identifiers: ClinVar variation 3242572 (VCV003242572.3), dbSNP rs2495452418.